The following is an entry in ClinVar:

NM_014236.4(GNPAT):c.1174G>C (p.Val392Leu)

Gene: GNPAT (glyceronephosphate O-acyltransferase; plus strand). Cytogenetic location: 1q42.2.
Variant type: single nucleotide variant.
Coding change: c.1174G>C on transcript NM_014236.4 (MANE Select); coding-DNA position 1174, G replaced by C.
Protein change: p.Val392Leu; replaces valine 392 with leucine.
Molecular consequence: missense variant.
Genome position (GRCh38, 1-based): chr1:231,267,798, G>C. VCF-style: chr1-231267798-G-C. GRCh37 (hg19) VCF-style: chr1-231403544-G-C.
Other names: c.991G>C, p.Val331Leu (NM_001316350.2); short protein forms V331L, V392L.
Identifiers: ClinVar variation 3605383 (VCV003605383.2).

ClinVar aggregate classification (germline): Uncertain significance (1 of 4 stars; one submission).

gnomAD v4.1: 2 of 1,613,572 alleles (0.00012%); highest among the groups gnomAD compares: Non-Finnish European, 0.00017%; no homozygotes.

Submission:

Labcorp Genetics (formerly Invitae), Labcorp
Classification: Uncertain significance. Last evaluated: 2025-09-08. Review status: criteria provided, single submitter. Criteria: Invitae Variant Classification Sherloc (09022015). Collection method: clinical testing. Allele origin: germline.
Comment: This sequence change replaces valine, which is neutral and non-polar, with leucine, which is neutral and non-polar, at codon 392 of the GNPAT protein (p.Val392Leu). This variant is not present in population databases (gnomAD no frequency). This variant has not been reported in the literature in individuals affected with GNPAT-related conditions. ClinVar contains an entry for this variant (Variation ID: 3605383). Invitae Evidence Modeling of protein sequence and biophysical properties (such as structural, functional, and spatial information, amino acid conservation, physicochemical variation, residue mobility, and thermodynamic stability) indicates that this missense variant is not expected to disrupt GNPAT protein function with a negative predictive value of 80%. In summary, the available evidence is currently insufficient to determine the role of this variant in disease. Therefore, it has been classified as a Variant of Uncertain Significance.